The following is an entry in ClinVar:

NM_001099922.3(ALG13):c.249A>G (p.Ala83=)

Gene: ALG13 (ALG13 UDP-N-acetylglucosaminyltransferase subunit; plus strand). Cytogenetic location: Xq23.
Variant type: single nucleotide variant.
Coding change: c.249A>G on transcript NM_001099922.3 (MANE Select); coding-DNA position 249, A replaced by G.
Protein change: p.Ala83=; no amino-acid change (alanine 83 retained).
Molecular consequence: synonymous variant. On other transcripts: missense variant (1), 5 prime UTR variant (9), non-coding transcript variant (3).
Genome position (GRCh38, 1-based): chrX:111,684,969, A>G. VCF-style: chrX-111684969-A-G. GRCh37 (hg19) VCF-style: chrX-110928197-A-G.
Other names: c.190A>G, p.Arg64Gly (NM_001039210.5); c.249A>G, p.Ala83= (NM_001168385.3, NM_001324292.2, NM_018466.6); c.-64A>G (NM_001257230.2, NM_001257234.2, NM_001257235.3 and 6 more transcripts); c.15A>G, p.Ala5= (NM_001257231.2, NM_001257241.3); c.255A>G, p.Ala85= (NM_001324290.2); short protein forms R64G.
Identifiers: ClinVar variation 5020409 (VCV005020409.1).

ClinVar aggregate classification (germline): Uncertain significance (1 of 4 stars; one submission).

Submission:

Dasa
Classification: Uncertain significance. Last evaluated: 2026-06-09. Review status: criteria provided, single submitter. Criteria: DASA Assertion Criteria. Collection method: clinical testing. Allele origin: germline.
Comment: NM_001039210.5(ALG13):c.190A>G (p.Arg64Gly) is a missense variant that results in the substitution of arginine with glycine. The affected residue or protein region has prior evidence supporting clinical relevance. This variant is rare in population databases. Computational prediction algorithms are consistent with a benign effect. The currently available literature and clinical evidence are not sufficient to establish a definitive association between this variant and the reported condition. Therefore, this variant is classified as a variant of uncertain significance.